The following is an entry in ClinVar:

Conditions:
Breast-ovarian cancer, familial, susceptibility to, 1 (BROVCA1). Also called: BRCA1 Hereditary Breast and Ovarian Cancer; OVARIAN CANCER, SUSCEPTIBILITY TO. Identifiers: Orphanet 145, MedGen C2676676, MONDO:0011450, OMIM 604370. Disease mechanism: loss of function.

Submission:

Brotman Baty Institute, University of Washington
No classification provided (evidence only). Condition: Breast-ovarian cancer, familial 1. Review status: no classification provided. Collection method: in vitro. Allele origin: not applicable. Functional consequence: functionally_normal.
ClinVar note: "not provided" was previously submitted as the classification for the variant. However, the classification appeared to be based only on an observation of functional data so it was converted to no classification on 2025-07-30.

NM_007294.4(BRCA1):c.4995G>C (p.Val1665=)

Gene: BRCA1 (BRCA1 DNA repair associated; minus strand). Cytogenetic location: 17q21.31.
Variant type: single nucleotide variant.
Coding change: c.4995G>C on transcript NM_007294.4 (MANE Select); coding-DNA position 4995, G replaced by C.
Protein change: p.Val1665=; no amino-acid change (valine 1665 retained).
Molecular consequence: synonymous variant. On other transcripts: intron variant (1).
Genome position (GRCh38, 1-based): chr17:43,067,687, C>G on the plus strand (G>C on the coding strand, the complement: BRCA1 is on the minus strand). VCF-style: chr17-43067687-C-G. GRCh37 (hg19) VCF-style: chr17-41219704-C-G.
Other names: c.4782G>C, p.Val1594= (NM_001407571.1, NM_001407894.1, NM_001407895.1 and 12 more transcripts); c.5061G>C, p.Val1687= (NM_001407581.1, NM_001407582.1); c.5058G>C, p.Val1686= (NM_001407583.1, NM_001407585.1, NM_001407587.1 and 1 more transcripts); c.5055G>C, p.Val1685= (NM_001407590.1, NM_001407591.1); c.4995G>C, p.Val1665= (NM_001407593.1, NM_001407594.1, NM_001407596.1 and 8 more transcripts); c.4992G>C, p.Val1664= (NM_001407610.1, NM_001407611.1, NM_001407612.1 and 17 more transcripts); c.4989G>C, p.Val1663= (NM_001407627.1, NM_001407628.1, NM_001407629.1 and 14 more transcripts); c.4986G>C, p.Val1662= (NM_001407644.1, NM_001407645.1); and 71 more.
Identifiers: ClinVar variation 868908 (VCV000868908.3), dbSNP rs1412152746, ClinGen allele CA500146395.